The following is an entry in ClinVar:

ClinVar aggregate classification (germline): Uncertain significance (1 of 4 stars; one submission).

gnomAD v4.1: 3 of 1,612,664 alleles (0.00019%); highest among the groups gnomAD compares: Admixed American, 0.005%; no homozygotes.

Submission:

GeneDx
Classification: Uncertain significance. Last evaluated: 2024-08-14. Review status: criteria provided, single submitter. Criteria: GeneDx Variant Classification Process June 2021. Collection method: clinical testing. Allele origin: germline. Affected: yes.
Comment: Not observed at significant frequency in large population cohorts (gnomAD); Missense variant in a gene in which most reported pathogenic variants are truncating/loss of function; Has not been previously published as pathogenic or benign to our knowledge

NM_001267550.2(TTN):c.92830C>A (p.Arg30944Ser)

Genes: TTN (titin; minus strand), TTN-AS1 (TTN antisense RNA 1; plus strand). Cytogenetic location: 2q31.2.
Variant type: single nucleotide variant.
Coding change: c.92830C>A on transcript NM_001267550.2 (MANE Select); coding-DNA position 92830, C replaced by A.
Protein change: p.Arg30944Ser; replaces arginine 30944 with serine.
Molecular consequence: missense variant.
Genome position (GRCh38, 1-based): chr2:178,548,796, G>T on the plus strand (C>A on the coding strand, the complement: TTN is on the minus strand). VCF-style: chr2-178548796-G-T. GRCh37 (hg19) VCF-style: chr2-179413523-G-T.
Other names: c.87907C>A, p.Arg29303Ser (NM_001256850.1); c.65635C>A, p.Arg21879Ser (NM_003319.4); c.85126C>A, p.Arg28376Ser (NM_133378.4); c.66010C>A, p.Arg22004Ser (NM_133432.3); c.66211C>A, p.Arg22071Ser (NM_133437.4); short protein forms R22071S, R29303S, R30944S, R21879S, R22004S, R28376S.
Identifiers: ClinVar variation 3730845 (VCV003730845.1).